The following is an entry in ClinVar:

NM_001018113.3(FANCB):c.1736C>T (p.Thr579Ile)

Gene: FANCB (FA complementation group B; minus strand). Cytogenetic location: Xp22.2.
Variant type: single nucleotide variant.
Coding change: c.1736C>T on transcript NM_001018113.3 (MANE Select); coding-DNA position 1736, C replaced by T.
Protein change: p.Thr579Ile; replaces threonine 579 with isoleucine.
Molecular consequence: missense variant.
Genome position (GRCh38, 1-based): chrX:14,845,047, G>A on the plus strand (C>T on the coding strand, the complement: FANCB is on the minus strand). VCF-style: chrX-14845047-G-A. GRCh37 (hg19) VCF-style: chrX-14863169-G-A.
Other names: c.1736C>T, p.Thr579Ile (NM_001324162.2, NM_152633.4); short protein forms T579I.
Identifiers: ClinVar variation 1372475 (VCV001372475.8), dbSNP rs771950360, ClinGen allele CA10353008.
Genomic context (GRCh38, chrX:14,845,047, plus strand): 5'-AGCAGTACAGTGCAACAAAATTTACTGAATGTTAAAAGTGGTGAAAGAGATGTTACAGCA[G>A]TAATTATCTGTACACACTCTTTCTTAGATGGGTGTTCACAAACAAAGCTTTCCTCTTTCT-3'
Protein context (NP_001018123.1, residues 569-589): PSKKECVQII[Thr579Ile]AVTSLSPLLT

ClinVar aggregate classification (germline): Uncertain significance (1 of 4 stars; one submission).

Conditions:
Fanconi anemia (FA). Also called: Fanconi's anemia. Identifiers: Orphanet 84, MedGen C0015625, MeSH D005199, MONDO:0019391.

Allele frequency attached by ClinVar (database versions not stated): gnomAD exomes below 0.00001 and 0.00001; ExAC 0.00001.
gnomAD v4.1: 3 of 1,206,548 alleles (0.00025%); highest among the groups gnomAD compares: South Asian, 0.0053%; no homozygotes.

Submission:

Labcorp Genetics (formerly Invitae), Labcorp
Classification: Uncertain significance for Fanconi anemia. Last evaluated: 2021-02-15. Review status: criteria provided, single submitter. Criteria: Invitae Variant Classification Sherloc (09022015). Collection method: clinical testing. Allele origin: germline.
Comment: In summary, the available evidence is currently insufficient to determine the role of this variant in disease. Therefore, it has been classified as a Variant of Uncertain Significance. Algorithms developed to predict the effect of missense changes on protein structure and function are either unavailable or do not agree on the potential impact of this missense change (SIFT: "Deleterious"; PolyPhen-2: "Probably Damaging"; Align-GVGD: "Class C0"). This variant has not been reported in the literature in individuals with FANCB-related conditions. This variant is present in population databases (rs771950360, ExAC 0.01%). This sequence change replaces threonine with isoleucine at codon 579 of the FANCB protein (p.Thr579Ile). The threonine residue is highly conserved and there is a moderate physicochemical difference between threonine and isoleucine.